The following is an entry in ClinVar:

NM_153490.3(KRT13):c.-45C>A

Gene: KRT13 (keratin 13; minus strand). Cytogenetic location: 17q21.2.
Variant type: single nucleotide variant.
Coding change: c.-45C>A on transcript NM_153490.3 (MANE Select); 45 bases upstream of the start codon, C replaced by A.
Molecular consequence: 5 prime UTR variant.
Genome position (GRCh38, 1-based): chr17:41,505,595, G>T on the plus strand (C>A on the coding strand, the complement: KRT13 is on the minus strand). VCF-style: chr17-41505595-G-T. GRCh37 (hg19) VCF-style: chr17-39661847-G-T.
Other names: c.-45C>A (NM_002274.4).
Identifiers: ClinVar variation 323108 (VCV000323108.5), dbSNP rs367712050, ClinGen allele CA8560899.

ClinVar aggregate classification (germline): Likely benign (1 of 4 stars; one submission).

Conditions:
White sponge nevus 2 (WSN2). Identifiers: MedGen C4014321, MONDO:0014346, OMIM 615785.

Allele frequency attached by ClinVar (database versions not stated): TOPMed 0.00002 and 0.00003; ESP Exome Variant Server 0.00008; ExAC 0.00009; gnomAD 0.00009 and 0.00029.
gnomAD v4.1: 108 of 1,612,086 alleles (0.0067%); highest among the groups gnomAD compares: Non-Finnish European, 0.0069%; no homozygotes.

Submission:

Illumina Laboratory Services, Illumina
Classification: Likely benign for White sponge nevus 2. Last evaluated: 2018-01-13. Review status: criteria provided, single submitter. Criteria: ICSL Variant Classification Criteria 13 December 2019. Collection method: clinical testing. Allele origin: germline.
Comment: This variant was observed in the ICSL laboratory as part of a predisposition screen in an ostensibly healthy population. It had not been previously curated by ICSL or reported in the Human Gene Mutation Database (HGMD: prior to June 1st, 2018), and was therefore a candidate for classification through an automated scoring system. Utilizing variant allele frequency, disease prevalence and penetrance estimates, and inheritance mode, an automated score was calculated to assess if this variant is too frequent to cause the disease. Based on the score and internal cut-off values, a variant classified as likely benign is not then subjected to further curation. The score for this variant resulted in a classification of likely benign for this disease.